The following is an entry in ClinVar:

NM_015450.3(POT1):c.601C>G (p.Leu201Val)

Gene: POT1 (protection of telomeres 1; minus strand). Cytogenetic location: 7q31.33.
Variant type: single nucleotide variant.
Coding change: c.601C>G on transcript NM_015450.3 (MANE Select); coding-DNA position 601, C replaced by G.
Protein change: p.Leu201Val; replaces leucine 201 with valine.
Molecular consequence: missense variant. On other transcripts: non-coding transcript variant (3).
Genome position (GRCh38, 1-based): chr7:124,859,058, G>C on the plus strand (C>G on the coding strand, the complement: POT1 is on the minus strand). VCF-style: chr7-124859058-G-C. GRCh37 (hg19) VCF-style: chr7-124499112-G-C.
Other names: c.208C>G, p.Leu70Val (NM_001042594.2); short protein forms L201V, L70V.
Identifiers: ClinVar variation 1448214 (VCV001448214.12), dbSNP rs2116526207, ClinGen allele CA369056595.

ClinVar aggregate classification (germline): Conflicting classifications of pathogenicity. Review status: criteria provided, conflicting classifications (1 of 4 stars). 2 submissions from 2 submitters: Uncertain significance (1); Likely benign (1). Last evaluated 2024-10-23.

Conditions:
Tumor predisposition syndrome 3 (TPDS3). Also called: LONG TELOMERE SYNDROME, POT1-RELATED; POT1 Tumor Predisposition; Glioma susceptibility 9; Melanoma, cutaneous malignant, susceptibility to, 10. Identifiers: Orphanet 618, MedGen C4014476, MONDO:0014368, OMIM 615848.
Hereditary cancer-predisposing syndrome. Also called: Hereditary Cancer Syndrome; Neoplastic Syndromes, Hereditary; Hereditary neoplastic syndrome; Tumor predisposition. Identifiers: Orphanet 140162, MedGen C0027672, MeSH D009386, MONDO:0015356.

gnomAD v4.1: 5 of 1,610,504 alleles (0.00031%); highest among the groups gnomAD compares: South Asian, 0.0044%; no homozygotes.

Submissions (2):

Ambry Genetics
Classification: Likely benign for Hereditary cancer-predisposing syndrome. Last evaluated: 2024-10-23. Review status: criteria provided, single submitter. Criteria: Ambry Variant Classification Scheme 2023. Collection method: clinical testing. Allele origin: germline.

Labcorp Genetics (formerly Invitae), Labcorp
Classification: Uncertain significance for Tumor predisposition syndrome 3. Last evaluated: 2021-03-20. Review status: criteria provided, single submitter. Criteria: Invitae Variant Classification Sherloc (09022015). Collection method: clinical testing. Allele origin: germline.
Comment: In summary, the available evidence is currently insufficient to determine the role of this variant in disease. Therefore, it has been classified as a Variant of Uncertain Significance. Algorithms developed to predict the effect of missense changes on protein structure and function (SIFT, PolyPhen-2, Align-GVGD) all suggest that this variant is likely to be tolerated, but these predictions have not been confirmed by published functional studies and their clinical significance is uncertain. This variant has not been reported in the literature in individuals with POT1-related conditions. This variant is not present in population databases (ExAC no frequency). This sequence change replaces leucine with valine at codon 201 of the POT1 protein (p.Leu201Val). The leucine residue is moderately conserved and there is a small physicochemical difference between leucine and valine.